The following is an entry in ClinVar:

NM_001375462.1(LPP):c.906A>G (p.Ala302=)

Gene: LPP (LIM domain containing preferred translocation partner in lipoma; plus strand). Cytogenetic location: 3q28.
Variant type: single nucleotide variant.
Coding change: c.906A>G on transcript NM_001375462.1 (MANE Select); coding-DNA position 906, A replaced by G.
Protein change: p.Ala302=; no amino-acid change (alanine 302 retained).
Molecular consequence: synonymous variant. On other transcripts: non-coding transcript variant (1), intron variant (1).
Genome position (GRCh38, 1-based): chr3:188,609,637, A>G. VCF-style: chr3-188609637-A-G. GRCh37 (hg19) VCF-style: chr3-188327425-A-G.
Other names: c.906A>G, p.Ala302= (NM_001167671.3, NM_001375455.1, NM_001375456.1 and 28 more transcripts); c.417A>G, p.Ala139= (NM_001387675.1, NM_001387676.1); c.672+234A>G (NM_001167672.3).
Identifiers: ClinVar variation 3058754 (VCV003058754.2), dbSNP rs760166726, ClinGen allele CA2751311.

ClinVar aggregate classification (germline): Likely benign (0 of 4 stars; one submission).

Conditions:
LPP-related disorder. Also called: LPP-related condition.

Allele frequency attached by ClinVar (database versions not stated): TOPMed 0.00002; gnomAD 0.00005; gnomAD exomes 0.00005; ExAC 0.00006.
gnomAD v4.1: 79 of 1,614,152 alleles (0.0049%); highest among the groups gnomAD compares: Middle Eastern, 0.033%; no homozygotes.

Submission:

PreventionGenetics, part of Exact Sciences
Classification: Likely benign for LPP-related condition. Last evaluated: 2019-03-29. Review status: no assertion criteria provided. Collection method: clinical testing. Allele origin: germline.
Comment: This variant is classified as likely benign based on ACMG/AMP sequence variant interpretation guidelines (Richards et al. 2015 PMID: 25741868, with internal and published modifications).